The following is an entry in ClinVar:

ClinVar aggregate classification (germline): Uncertain significance (1 of 4 stars; one submission).

Conditions:
Long QT syndrome (LQTS). Identifiers: MedGen C0023976, MeSH D008133, MONDO:0002442. Disease mechanism: loss of function. Inheritance: Various modes of inheritance.

Submission:

Labcorp Genetics (formerly Invitae), Labcorp
Classification: Uncertain significance for Long QT syndrome. Last evaluated: 2021-10-18. Review status: criteria provided, single submitter. Criteria: Invitae Variant Classification Sherloc (09022015). Collection method: clinical testing. Allele origin: germline.
Comment: A gross deletion of the genomic region encompassing the full coding sequence of the KCNJ5 gene has been identified. The current clinical and genetic evidence is not sufficient to establish whether loss-of-function variants in KCNJ5 cause disease. The boundaries of this event are unknown as they extend beyond the assayed region for this gene and therefore may encompass additional genes. This variant has not been reported in the literature in individuals affected with KCNJ5-related conditions. In summary, the available evidence is currently insufficient to determine the role of this variant in disease. Therefore, it has been classified as a Variant of Uncertain Significance.

NC_000011.9:g.(?_128781169)_(128786626_?)del

Gene: KCNJ5 (potassium inwardly rectifying channel subfamily J member 5; plus strand). Cytogenetic location: 11q24.3.
Variant type: Deletion.
Identifiers: ClinVar variation 1420770 (VCV001420770.4).